The following is an entry in ClinVar:

NM_001711.6(BGN):c.173C>A (p.Thr58Asn)

Gene: BGN (biglycan; plus strand). Cytogenetic location: Xq28.
Variant type: single nucleotide variant.
Coding change: c.173C>A on transcript NM_001711.6 (MANE Select); coding-DNA position 173, C replaced by A.
Protein change: p.Thr58Asn; replaces threonine 58 with asparagine.
Molecular consequence: missense variant.
Genome position (GRCh38, 1-based): chrX:153,504,804, C>A. VCF-style: chrX-153504804-C-A. GRCh37 (hg19) VCF-style: chrX-152770262-C-A.
Other names: short protein forms T58N.
Identifiers: ClinVar variation 1492998 (VCV001492998.6), dbSNP rs2124232550, ClinGen allele CA415068296.
Genomic context (GRCh38, chrX:153,504,804, plus strand): 5'-ATGAGGAAGCTTCGGGCGCTGACACCTCGGGCGTCCTGGACCCGGACTCTGTCACACCCA[C>A]CTACAGCGCCATGTGTCCTTTCGGCTGCCACTGCCACCTGCGGGTGGTTCAGTGCTCCGA-3'
Protein context (NP_001702.1, residues 48-68): GVLDPDSVTP[Thr58Asn]YSAMCPFGCH

ClinVar aggregate classification (germline): Uncertain significance (1 of 4 stars; one submission).

Submission:

Labcorp Genetics (formerly Invitae), Labcorp
Classification: Uncertain significance. Last evaluated: 2024-02-17. Review status: criteria provided, single submitter. Criteria: Invitae Variant Classification Sherloc (09022015). Collection method: clinical testing. Allele origin: germline.
Comment: This sequence change replaces threonine, which is neutral and polar, with asparagine, which is neutral and polar, at codon 58 of the BGN protein (p.Thr58Asn). This variant is not present in population databases (gnomAD no frequency). This variant has not been reported in the literature in individuals affected with BGN-related conditions. ClinVar contains an entry for this variant (Variation ID: 1492998). An algorithm developed to predict the effect of missense changes on protein structure and function (PolyPhen-2) suggests that this variant is likely to be tolerated. In summary, the available evidence is currently insufficient to determine the role of this variant in disease. Therefore, it has been classified as a Variant of Uncertain Significance.